The following is an entry in ClinVar:

NM_052903.6(TUBGCP5):c.2180T>G (p.Phe727Cys)

Gene: TUBGCP5 (tubulin gamma complex component 5; minus strand). Cytogenetic location: 15q11.2.
Variant type: single nucleotide variant.
Coding change: c.2180T>G on transcript NM_052903.6 (MANE Select); coding-DNA position 2180, T replaced by G.
Protein change: p.Phe727Cys; replaces phenylalanine 727 with cysteine.
Molecular consequence: missense variant. On other transcripts: non-coding transcript variant (1).
Genome position (GRCh38, 1-based): chr15:23,008,846, A>C on the plus strand (T>G on the coding strand, the complement: TUBGCP5 is on the minus strand). VCF-style: chr15-23008846-A-C. GRCh37 (hg19) VCF-style: chr15-22864222-T-G.
Other names: c.2180T>G, p.Phe727Cys (NM_001102610.2, NM_001354373.2, NM_001354375.2 and 1 more transcripts); c.2183T>G, p.Phe728Cys (NM_001354372.2, NM_001354377.2, NM_001354378.2); c.2138T>G, p.Phe713Cys (NM_001354374.2); short protein forms F727C, F713C, F728C.
Identifiers: ClinVar variation 523634 (VCV000523634.4), dbSNP rs1555436162, ClinGen allele CA391313107.

ClinVar aggregate classification (germline): Uncertain significance (1 of 4 stars; one submission).

Conditions:
Microcephaly. Also called: Microcephaly (disease). Identifiers: MedGen C4551563, MONDO:0001149, HP:0000252.

Submission:

Centre for Mendelian Genomics, University Medical Centre Ljubljana
Classification: Uncertain significance for Microcephaly. Last evaluated: 2018-04-10. Review status: criteria provided, single submitter. Criteria: ACMG Guidelines, 2015. Collection method: clinical testing. Allele origin: germline. Inheritance: Autosomal recessive inheritance. Affected: yes. Observed: 1 variant allele, 1 homozygote.
Comment: This position is extremely conserved, as shown by population allele frequency data from ExAC and GnomAD, as well as comparisons with all other vertebrates. Furthermore, several of the known genes associated with MCPH are involved in the formation and function of the centrosome, including two paralogs of TUBGCP5; TUBGCP4 and TUBGCP6, also supporting our hypothesis. The identified recessive homozygous missense mutation in TUBGCP5 may thus represent a novel cause of MCPH with mild developmental delay.